The following is an entry in ClinVar:

ClinVar aggregate classification (germline): Uncertain significance (1 of 4 stars; one submission).

Conditions:
Ataxia-telangiectasia syndrome (AT). Also called: LOUIS-BAR SYNDROME; Cerebello-oculocutaneous telangiectasia; Immunodeficiency with ataxia telangiectasia; Ataxia telangiectasia (A-T); Ataxia-telangiectasia, complementation group D; AT, COMPLEMENTATION GROUP C. Identifiers: Orphanet 100, MedGen C0004135, MONDO:0008840, OMIM 208900.

Allele frequency attached by ClinVar (database versions not stated): gnomAD exomes below 0.00001.
gnomAD v4.1: 1 of 1,614,042 alleles (0.000062%); highest among the groups gnomAD compares: Non-Finnish European, 0.000085%; no homozygotes.

Submission:

Labcorp Genetics (formerly Invitae), Labcorp
Classification: Uncertain significance for Ataxia-telangiectasia syndrome. Last evaluated: 2021-10-21. Review status: criteria provided, single submitter. Criteria: Invitae Variant Classification Sherloc (09022015). Collection method: clinical testing. Allele origin: germline.
Comment: In summary, the available evidence is currently insufficient to determine the role of this variant in disease. Therefore, it has been classified as a Variant of Uncertain Significance. Algorithms developed to predict the effect of missense changes on protein structure and function (SIFT, PolyPhen-2, Align-GVGD) all suggest that this variant is likely to be tolerated. This variant has not been reported in the literature in individuals affected with ATM-related conditions. This variant is not present in population databases (ExAC no frequency). This sequence change replaces glutamic acid with lysine at codon 2784 of the ATM protein (p.Glu2784Lys). The glutamic acid residue is weakly conserved and there is a small physicochemical difference between glutamic acid and lysine.

NM_000051.4(ATM):c.8350G>A (p.Glu2784Lys)

Genes: ATM (ATM serine/threonine kinase; plus strand), C11orf65 (chromosome 11 open reading frame 65; minus strand). Cytogenetic location: 11q22.3.
Variant type: single nucleotide variant.
Coding change: c.8350G>A on transcript NM_000051.4 (MANE Select); coding-DNA position 8350, G replaced by A.
Protein change: p.Glu2784Lys; replaces glutamic acid 2784 with lysine.
Molecular consequence: missense variant. On other transcripts: intron variant (2).
Genome position (GRCh38, 1-based): chr11:108,343,303, G>A. VCF-style: chr11-108343303-G-A. GRCh37 (hg19) VCF-style: chr11-108214030-G-A.
Other names: c.8350G>A, p.Glu2784Lys (NM_001351834.2); c.641-34232C>T (NM_001330368.2); c.695-8011C>T (NM_001351110.2); short protein forms E2784K.
Identifiers: ClinVar variation 1483476 (VCV001483476.7), dbSNP rs1479612629, ClinGen allele CA382516478.